The following is an entry in ClinVar:

NM_000382.3(ALDH3A2):c.1087_1090del (p.Val363fs)

Gene: ALDH3A2 (aldehyde dehydrogenase 3 family member A2; plus strand). Cytogenetic location: 17p11.2.
Variant type: Deletion.
Coding change: c.1087_1090del on transcript NM_000382.3 (MANE Select); coding-DNA positions 1087 to 1090, 4 bases deleted (GTAT; older notation c.1087_1090delGTAT).
Protein change: p.Val363fs; shifts the reading frame from valine 363.
Molecular consequence: frameshift variant.
Genome position (GRCh38, 1-based): chr17:19,663,479-19,663,482, GTAT deleted; deleting any 4 consecutive bases within chr17:19,663,476-19,663,482 gives the same sequence; the c. name uses the placement nearest the transcript's 3' end. VCF-style (leftmost placement, unchanged base first): chr17-19663475-TTATG-T. GRCh37 (hg19) VCF-style: chr17-19566788-TTATG-T.
Other names: c.1087_1090del, p.Val363fs (NM_001369139.1, NM_001369146.2, NM_001031806.2 and 3 more transcripts); c.508_511del, p.Val170fs (NM_001369148.2); short protein forms V363fs, V170fs.
Identifiers: ClinVar variation 1407166 (VCV001407166.6), dbSNP rs1339996692, ClinGen allele CA726771863.

ClinVar aggregate classification (germline): Pathogenic (1 of 4 stars; one submission).

Submission:

Labcorp Genetics (formerly Invitae), Labcorp
Classification: Pathogenic. Last evaluated: 2023-01-21. Review status: criteria provided, single submitter. Criteria: Invitae Variant Classification Sherloc (09022015). Collection method: clinical testing. Allele origin: germline.
Comment: For these reasons, this variant has been classified as Pathogenic. ClinVar contains an entry for this variant (Variation ID: 1407166). This variant has not been reported in the literature in individuals affected with ALDH3A2-related conditions. This variant is not present in population databases (gnomAD no frequency). This sequence change creates a premature translational stop signal (p.Val363Phefs*11) in the ALDH3A2 gene. It is expected to result in an absent or disrupted protein product. Loss-of-function variants in ALDH3A2 are known to be pathogenic (PMID: 10577908, 10854114).

Literature cited by the submitters: PubMed 10577908; PubMed 10854114.